The following is an entry in ClinVar:

NM_001099274.3(TINF2):c.359A>G (p.Gln120Arg)

Gene: TINF2 (TERF1 interacting nuclear factor 2; minus strand). Cytogenetic location: 14q12.
Variant type: single nucleotide variant.
Coding change: c.359A>G on transcript NM_001099274.3 (MANE Select); coding-DNA position 359, A replaced by G.
Protein change: p.Gln120Arg; replaces glutamine 120 with arginine.
Molecular consequence: missense variant.
Genome position (GRCh38, 1-based): chr14:24,241,715, T>C on the plus strand (A>G on the coding strand, the complement: TINF2 is on the minus strand). VCF-style: chr14-24241715-T-C. GRCh37 (hg19) VCF-style: chr14-24710921-T-C.
Other names: p.Gln120Arg; c.254A>G, p.Gln85Arg (NM_001363668.2); c.359A>G, p.Gln120Arg (NM_012461.3); short protein forms Q120R, Q85R.
Identifiers: ClinVar variation 312955 (VCV000312955.21), dbSNP rs189265179, ClinGen allele CA7130692.

ClinVar aggregate classification (germline): Benign/Likely benign. Review status: criteria provided, multiple submitters, no conflicts (2 of 4 stars). 8 submissions from 7 submitters: Benign (7); Likely benign (1). Last evaluated 2026-02-01.

Conditions:
Dyskeratosis congenita, autosomal dominant 3. Identifiers: MedGen C3151445, MONDO:0013522, OMIM 613990.
Revesz syndrome. Also called: EXUDATIVE RETINOPATHY WITH BONE MARROW FAILURE; DYSKERATOSIS CONGENITA, AUTOSOMAL DOMINANT 5. Identifiers: Orphanet 3088, MedGen C1327916, MONDO:0009990, OMIM 268130.
Dyskeratosis congenita, autosomal dominant 1 (DKCA1). Also called: Dyskeratosis congenita Scoggins type. Identifiers: Orphanet 1775, MedGen C4551974, MONDO:0007485, OMIM 127550. Inheritance: Variable.
Dyskeratosis congenita. Identifiers: Orphanet 1775, MedGen C0265965, MONDO:0015780.

Allele frequency attached by ClinVar (database versions not stated): ESP Exome Variant Server 0.00008; gnomAD exomes 0.00091 and 0.00395; gnomAD 0.00163 and 0.00179; TOPMed 0.00285; ExAC 0.00329; 1000 Genomes Project 0.00599; 1000 Genomes Project 30x 0.00687.

Submissions (8):

Labcorp Genetics (formerly Invitae), Labcorp
Classification: Benign for Dyskeratosis congenita. Last evaluated: 2026-02-01. Review status: criteria provided, single submitter. Criteria: Invitae Variant Classification Sherloc (09022015). Collection method: clinical testing. Allele origin: germline.

Center for Genomic Medicine, Rigshospitalet, Copenhagen University Hospital
Classification: Benign. Last evaluated: 2025-12-29. Review status: criteria provided, single submitter. Criteria: ACMG Guidelines, 2015. Collection method: clinical testing. Allele origin: germline.
Comment: Classification criteria: BA1

ARUP Laboratories, Molecular Genetics and Genomics, ARUP Laboratories
Classification: Benign. Last evaluated: 2025-06-24. Review status: criteria provided, single submitter. Criteria: ARUP Molecular Germline Variant Investigation Process 2024. Collection method: clinical testing. Allele origin: germline.

Fulgent Genetics
Classification: Likely benign for Dyskeratosis congenita, autosomal dominant 1; Revesz syndrome; Dyskeratosis congenita, autosomal dominant 3. Last evaluated: 2021-08-17. Review status: criteria provided, single submitter. Criteria: ACMG Guidelines, 2015. Collection method: clinical testing. Allele origin: unknown.

Mayo Clinic Laboratories, Mayo Clinic
Classification: Benign. Last evaluated: 2019-08-15. Review status: criteria provided, single submitter. Criteria: ACMG Guidelines, 2015. Collection method: clinical testing. Allele origin: germline. Observed: 5 variant alleles.

Illumina Laboratory Services, Illumina
Classification: Benign for Revesz syndrome. Last evaluated: 2018-01-13. Review status: criteria provided, single submitter. Criteria: ICSL Variant Classification Criteria 13 December 2019. Collection method: clinical testing. Allele origin: germline.
Comment: This variant was observed in the ICSL laboratory as part of a predisposition screen in an ostensibly healthy population. It had not been previously curated by ICSL or reported in the Human Gene Mutation Database (HGMD: prior to June 1st, 2018), and was therefore a candidate for classification through an automated scoring system. Utilizing variant allele frequency, disease prevalence and penetrance estimates, and inheritance mode, an automated score was calculated to assess if this variant is too frequent to cause the disease. Based on the score and internal cut-off values, a variant classified as benign is not then subjected to further curation. The score for this variant resulted in a classification of benign for this disease.

Illumina Laboratory Services, Illumina
Classification: Benign for Dyskeratosis congenita, autosomal dominant 3. Last evaluated: 2018-01-13. Review status: criteria provided, single submitter. Criteria: ICSL Variant Classification Criteria 13 December 2019. Collection method: clinical testing. Allele origin: germline.
Comment: the same text as in the submission from Illumina Laboratory Services, Illumina above.

Breakthrough Genomics
Classification: Benign. Review status: criteria provided, single submitter. Criteria: ACMG Guidelines, 2015. Collection method: not provided. Allele origin: germline. Inheritance: Autosomal dominant inheritance. Affected: yes.